The following is an entry in ClinVar:

ClinVar aggregate classification (germline): Uncertain significance. Review status: criteria provided, multiple submitters, no conflicts (2 of 4 stars). 2 submissions from 2 submitters: Uncertain significance (2). Last evaluated 2024-09-06.

Conditions:
Inborn genetic diseases. Identifiers: MedGen C0950123, MeSH D030342.

Allele frequency attached by ClinVar (database versions not stated): gnomAD exomes 0.00001.
gnomAD v4.1: 11 of 1,612,692 alleles (0.00068%); highest among the groups gnomAD compares: Non-Finnish European, 0.00085%; no homozygotes.

Submissions (2):

Labcorp Genetics (formerly Invitae), Labcorp
Classification: Uncertain significance. Last evaluated: 2024-09-06. Review status: criteria provided, single submitter. Criteria: Invitae Variant Classification Sherloc (09022015). Collection method: clinical testing. Allele origin: germline.
Comment: This sequence change replaces threonine, which is neutral and polar, with isoleucine, which is neutral and non-polar, at codon 1186 of the LAMC3 protein (p.Thr1186Ile). This variant is not present in population databases (gnomAD no frequency). This variant has not been reported in the literature in individuals affected with LAMC3-related conditions. ClinVar contains an entry for this variant (Variation ID: 1360932). An algorithm developed to predict the effect of missense changes on protein structure and function (PolyPhen-2) suggests that this variant is likely to be tolerated. In summary, the available evidence is currently insufficient to determine the role of this variant in disease. Therefore, it has been classified as a Variant of Uncertain Significance.

Ambry Genetics
Classification: Uncertain significance for Inborn genetic diseases. Last evaluated: 2023-12-04. Review status: criteria provided, single submitter. Criteria: Ambry Variant Classification Scheme 2023. Collection method: clinical testing. Allele origin: germline.

NM_006059.4(LAMC3):c.3557C>T (p.Thr1186Ile)

Gene: LAMC3 (laminin subunit gamma 3; plus strand). Cytogenetic location: 9q34.12.
Variant type: single nucleotide variant.
Coding change: c.3557C>T on transcript NM_006059.4 (MANE Select); coding-DNA position 3557, C replaced by T.
Protein change: p.Thr1186Ile; replaces threonine 1186 with isoleucine.
Molecular consequence: missense variant.
Genome position (GRCh38, 1-based): chr9:131,075,893, C>T. VCF-style: chr9-131075893-C-T. GRCh37 (hg19) VCF-style: chr9-133951280-C-T.
Other names: c.3557C>T (NM_006059.3); short protein forms T1186I.
Identifiers: ClinVar variation 1360932 (VCV001360932.9), dbSNP rs200384710, ClinGen allele CA200672189.
Genomic context (GRCh38, chr9:131,075,893, plus strand): 5'-ACAGAGACACCGCCACCAAGATCGCAGCCACTGCTTGGAGGGCCCTGCTCGCCTCCAACA[C>T]CAGCTACGCGCTTCTCTGGAATCTGCTGGAGGGAAGGGTGGCCCTAGAGACCCAGCGGGA-3'
Protein context (NP_006050.3, residues 1176-1196): TAWRALLASN[Thr1186Ile]SYALLWNLLE